The following is an entry in ClinVar:

ClinVar aggregate classification (germline): Likely benign. Review status: criteria provided, multiple submitters, no conflicts (2 of 4 stars). 2 submissions from 2 submitters: Likely benign (2). Last evaluated 2026-06-01.

Allele frequency attached by ClinVar (database versions not stated): gnomAD 0.00001; TOPMed 0.00002.
gnomAD v4.1: 31 of 1,614,058 alleles (0.0019%); highest among the groups gnomAD compares: East Asian, 0.0045%; no homozygotes.

Submissions (2):

CeGaT Center for Human Genetics Tuebingen
Classification: Likely benign. Last evaluated: 2026-06-01. Review status: criteria provided, single submitter. Criteria: CeGaT Center For Human Genetics Tuebingen Variant Classification Criteria Version 2. Collection method: clinical testing. Allele origin: germline. Affected: yes. Observed: 1 variant allele.
Comment: CNTNAP1: BP4, BP7

Labcorp Genetics (formerly Invitae), Labcorp
Classification: Likely benign. Last evaluated: 2022-07-06. Review status: criteria provided, single submitter. Criteria: Invitae Variant Classification Sherloc (09022015). Collection method: clinical testing. Allele origin: germline.

NM_003632.3(CNTNAP1):c.2598C>T (p.Asp866=)

Gene: CNTNAP1 (contactin associated protein 1; plus strand). Cytogenetic location: 17q21.2.
Variant type: single nucleotide variant.
Coding change: c.2598C>T on transcript NM_003632.3 (MANE Select); coding-DNA position 2598, C replaced by T.
Protein change: p.Asp866=; no amino-acid change (aspartic acid 866 retained).
Molecular consequence: synonymous variant.
Genome position (GRCh38, 1-based): chr17:42,692,566, C>T. VCF-style: chr17-42692566-C-T. GRCh37 (hg19) VCF-style: chr17-40844584-C-T.
Identifiers: ClinVar variation 1985390 (VCV001985390.6), dbSNP rs1442972572, ClinGen allele CA500092128.
Genomic context (GRCh38, chr17:42,692,566, plus strand): 5'-GGATGTGGTCTTCGCCTTTGATGTGGGGAATGGGGATGAGAACCTCACAGTACACTCAGA[C>T]GACTTTGAGTTCAATGATGACGAGTGGCACCTGGTCCGGGCTGAAATCAACGTGAAGCAG-3'
Protein context (NP_003623.1, residues 856-876): NGDENLTVHS[Asp866=]DFEFNDDEWH